The following is an entry in ClinVar:

NM_024700.4(SNIP1):c.331C>T (p.Arg111Cys)

Genes: SNIP1 (Smad nuclear interacting protein 1; minus strand), LOC126805704 (BRD4-independent group 4 enhancer GRCh37_chr1:38005292-38006491; plus strand). Cytogenetic location: 1p34.3.
Variant type: single nucleotide variant.
Coding change: c.331C>T on transcript NM_024700.4 (MANE Select); coding-DNA position 331, C replaced by T.
Protein change: p.Arg111Cys; replaces arginine 111 with cysteine.
Molecular consequence: missense variant.
Genome position (GRCh38, 1-based): chr1:37,540,752, G>A on the plus strand (C>T on the coding strand, the complement: SNIP1 is on the minus strand). VCF-style: chr1-37540752-G-A. GRCh37 (hg19) VCF-style: chr1-38006353-G-A.
Other names: short protein forms R111C.
Identifiers: ClinVar variation 433084 (VCV000433084.10), dbSNP rs202020647, ClinGen allele CA771357.

ClinVar aggregate classification (germline): Uncertain significance. Review status: criteria provided, multiple submitters, no conflicts (2 of 4 stars). 4 submissions from 4 submitters: Uncertain significance (3). 1 of the submissions does not count toward it. Last evaluated 2026-01-11.

Conditions:
Psychomotor retardation, epilepsy, and craniofacial dysmorphism (NEDHCS). Also called: NEURODEVELOPMENTAL DISORDER WITH HYPOTONIA, CRANIOFACIAL ABNORMALITIES, AND SEIZURES. Identifiers: MedGen C3281055, MONDO:0013787, OMIM 614501.
Self-limited epilepsy with centrotemporal spikes. Also called: Childhood epilepsy with centrotemporal spikes; Rolandic epilepsy. Identifiers: Orphanet 1945, MedGen C0376532, MONDO:0007295.

Allele frequency attached by ClinVar (database versions not stated): ExAC 0.00013; gnomAD 0.00013 and 0.00014; TOPMed 0.00014; gnomAD exomes 0.00018; 1000 Genomes Project 0.00020; 1000 Genomes Project 30x 0.00031.
gnomAD v4.1: 206 of 1,590,180 alleles (0.013%); highest among the groups gnomAD compares: Middle Eastern, 0.13%; no homozygotes.

Submissions (4):

Labcorp Genetics (formerly Invitae), Labcorp
Classification: Uncertain significance. Last evaluated: 2026-01-11. Review status: criteria provided, single submitter. Criteria: Invitae Variant Classification Sherloc (09022015). Collection method: clinical testing. Allele origin: germline.
Comment: This sequence change replaces arginine, which is basic and polar, with cysteine, which is neutral and slightly polar, at codon 111 of the SNIP1 protein (p.Arg111Cys). This variant is present in population databases (rs202020647, gnomAD 0.07%). This missense change has been observed in individual(s) with Rolandic epilepsy (PMID: 29358611). ClinVar contains an entry for this variant (Variation ID: 433084). Invitae Evidence Modeling of protein sequence and biophysical properties (such as structural, functional, and spatial information, amino acid conservation, physicochemical variation, residue mobility, and thermodynamic stability) indicates that this missense variant is expected to disrupt SNIP1 protein function with a positive predictive value of 80%. In summary, the available evidence is currently insufficient to determine the role of this variant in disease. Therefore, it has been classified as a Variant of Uncertain Significance.

Fulgent Genetics
Classification: Uncertain significance for Psychomotor retardation, epilepsy, and craniofacial dysmorphism. Last evaluated: 2022-01-17. Review status: criteria provided, single submitter. Criteria: ACMG Guidelines, 2015. Collection method: clinical testing. Allele origin: unknown.

Breakthrough Genomics
Classification: Uncertain significance. Review status: criteria provided, single submitter. Criteria: ACMG Guidelines, 2015. Collection method: not provided. Allele origin: germline. Inheritance: Autosomal recessive inheritance. Affected: yes.

Bioinformatics Core, Luxembourg Center for Systems Biomedicine
Classification: Pathogenic for Self-limited epilepsy with centrotemporal spikes. Last evaluated: 2017-01-01. Review status: no assertion criteria provided. Collection method: case-control. Allele origin: germline. Affected: yes. Study: EUROEPINOMICS COGIE. Not counted in ClinVar's aggregate classification.

Literature cited by the submitters: PubMed 29358611 (cited by Labcorp Genetics (formerly Invitae), Labcorp and Bioinformatics Core, Luxembourg Center for Systems Biomedicine).